The following is an entry in ClinVar:

ClinVar aggregate classification (germline): Uncertain significance. Review status: criteria provided, multiple submitters, no conflicts (2 of 4 stars). 2 submissions from 2 submitters: Uncertain significance (2). Last evaluated 2024-08-13.

Conditions:
Wilson disease (WND). Also called: Wilson's disease. Identifiers: Orphanet 905, MedGen C0019202, MONDO:0010200, OMIM 277900. Disease mechanism: loss of function.

Submissions (2):

All of Us Research Program, National Institutes of Health
Classification: Uncertain significance for Wilson disease. Last evaluated: 2024-08-13. Review status: criteria provided, single submitter. Criteria: ACMG Guidelines, 2015. Collection method: clinical testing. Allele origin: germline. Inheritance: Autosomal recessive inheritance. Observed: 1 variant allele, 1 heterozygote.
Comment: This missense variant replaces tyrosine with histidine at codon 559 of the ATP7B protein. Computational prediction suggests that this variant may not impact protein structure and function (internally defined REVEL score threshold <= 0.5, PMID: 27666373). To our knowledge, functional studies have not been reported for this variant. This variant has not been reported in individuals affected with ATP7B-related disorders in the literature. This variant has not been identified in the general population by the Genome Aggregation Database (gnomAD). The available evidence is insufficient to determine the role of this variant in disease conclusively. Therefore, this variant is classified as a Variant of Uncertain Significance.

This study involves interpretation of variants in research participants for the purpose of population health screening. Participant phenotype was not available at the time of variant classification. Additional details can be found in publication PMID: 35346344, PMCID: PMC8962531

Color Diagnostics, LLC DBA Color Health
Classification: Uncertain significance for Wilson disease. Last evaluated: 2024-07-23. Review status: criteria provided, single submitter. Criteria: ACMG Guidelines, 2015. Collection method: clinical testing. Allele origin: germline.
Comment: This missense variant replaces tyrosine with histidine at codon 559 of the ATP7B protein. Computational prediction suggests that this variant may not impact protein structure and function. To our knowledge, functional studies have not been reported for this variant. This variant has not been reported in individuals affected with ATP7B-related disorders in the literature. This variant has not been identified in the general population by the Genome Aggregation Database (gnomAD). The available evidence is insufficient to determine the role of this variant in disease conclusively. Therefore, this variant is classified as a Variant of Uncertain Significance.

NM_000053.4(ATP7B):c.1675T>C (p.Tyr559His)

Gene: ATP7B (ATPase copper transporting beta; minus strand). Cytogenetic location: 13q14.3.
Variant type: single nucleotide variant.
Coding change: c.1675T>C on transcript NM_000053.4 (MANE Select); coding-DNA position 1675, T replaced by C.
Protein change: p.Tyr559His; replaces tyrosine 559 with histidine.
Molecular consequence: missense variant. On other transcripts: intron variant (1).
Genome position (GRCh38, 1-based): chr13:51,968,476, A>G on the plus strand (T>C on the coding strand, the complement: ATP7B is on the minus strand). VCF-style: chr13-51968476-A-G. GRCh37 (hg19) VCF-style: chr13-52542612-A-G.
Other names: c.1675T>C, p.Tyr559His (NM_001406522.1, NM_001406523.1, NM_001406525.1 and 26 more transcripts); c.1642T>C, p.Tyr548His (NM_001406524.1, NM_001406514.1); c.1579T>C, p.Tyr527His (NM_001406530.1, NM_001406536.1, NM_001406517.1 and 3 more transcripts); c.1246T>C, p.Tyr416His (NM_001406539.1); c.1285+5459T>C (NM_001406548.1); c.1342T>C, p.Tyr448His (NM_001243182.2); short protein forms Y416H, Y448H, Y527H, Y548H, Y559H.
Identifiers: ClinVar variation 3385578 (VCV003385578.2).